The following is an entry in ClinVar:

NM_020791.4(TAOK1):c.125T>A (p.Val42Glu)

Gene: TAOK1 (TAO kinase 1; plus strand). Cytogenetic location: 17q11.2.
Variant type: single nucleotide variant.
Coding change: c.125T>A on transcript NM_020791.4 (MANE Select); coding-DNA position 125, T replaced by A.
Protein change: p.Val42Glu; replaces valine 42 with glutamic acid.
Molecular consequence: missense variant.
Genome position (GRCh38, 1-based): chr17:29,451,673, T>A. VCF-style: chr17-29451673-T-A. GRCh37 (hg19) VCF-style: chr17-27778691-T-A.
Other names: c.125T>A, p.Val42Glu (NM_025142.1); short protein forms V42E.
Identifiers: ClinVar variation 3731057 (VCV003731057.1).

ClinVar aggregate classification (germline): Uncertain significance (1 of 4 stars; one submission).

Submission:

GeneDx
Classification: Uncertain significance. Last evaluated: 2024-08-13. Review status: criteria provided, single submitter. Criteria: GeneDx Variant Classification Process June 2021. Collection method: clinical testing. Allele origin: germline. Affected: yes.
Comment: Not observed at significant frequency in large population cohorts (gnomAD); In silico analysis supports that this missense variant has a deleterious effect on protein structure/function; Has not been previously published as pathogenic or benign to our knowledge